The following is an entry in ClinVar:

NM_017999.5(RNF31):c.10G>A (p.Glu4Lys)

Genes: RNF31 (ring finger protein 31; plus strand), LOC121468009 (Sharpr-MPRA regulatory region 11827; plus strand). Cytogenetic location: 14q12.
Variant type: single nucleotide variant.
Coding change: c.10G>A on transcript NM_017999.5 (MANE Select); coding-DNA position 10, G replaced by A.
Protein change: p.Glu4Lys; replaces glutamic acid 4 with lysine.
Molecular consequence: missense variant. On other transcripts: intron variant (1).
Genome position (GRCh38, 1-based): chr14:24,147,708, G>A. VCF-style: chr14-24147708-G-A. GRCh37 (hg19) VCF-style: chr14-24616917-G-A.
Other names: c.-325-268G>A (NM_001310332.2); short protein forms E4K.
Identifiers: ClinVar variation 3656528 (VCV003656528.2).
Genomic context (GRCh38, chr14:24,147,708, plus strand): 5'-CCGCGCCGGGTCCTGGCGGGCGGCGAGGCTGGGGCTGACTCCTGCCTCAGGATGCCGGGG[G>A]AGGAAGAGGAGCGGGCCTTCCTGGTGGCCCGCGAGGAGCTGGCGAGCGCCCTGAGGAGGG-3'
Protein context (NP_060469.4, residues 1-14): MPG[Glu4Lys]EEERAFLVAR

ClinVar aggregate classification (germline): Uncertain significance (1 of 4 stars; one submission).

Submission:

Labcorp Genetics (formerly Invitae), Labcorp
Classification: Uncertain significance. Last evaluated: 2024-06-13. Review status: criteria provided, single submitter. Criteria: Invitae Variant Classification Sherloc (09022015). Collection method: clinical testing. Allele origin: germline.
Comment: This sequence change replaces glutamic acid, which is acidic and polar, with lysine, which is basic and polar, at codon 4 of the RNF31 protein (p.Glu4Lys). This variant is not present in population databases (gnomAD no frequency). This variant has not been reported in the literature in individuals affected with RNF31-related conditions. Algorithms developed to predict the effect of missense changes on protein structure and function output the following: SIFT: "Not Available"; PolyPhen-2: "Benign"; Align-GVGD: "Not Available". The lysine amino acid residue is found in multiple mammalian species, which suggests that this missense change does not adversely affect protein function. In summary, the available evidence is currently insufficient to determine the role of this variant in disease. Therefore, it has been classified as a Variant of Uncertain Significance.